The following is an entry in ClinVar:

ClinVar aggregate classification (germline): Uncertain significance (1 of 4 stars; one submission).

Submission:

GeneDx
Classification: Uncertain significance. Last evaluated: 2022-10-19. Review status: criteria provided, single submitter. Criteria: GeneDx Variant Classification Process June 2021. Collection method: clinical testing. Allele origin: germline. Affected: yes.
Comment: Not observed at significant frequency in large population cohorts (gnomAD); In silico analysis supports that this missense variant has a deleterious effect on protein structure/function; Has not been previously published as pathogenic or benign to our knowledge

NM_002968.3(SALL1):c.26C>G (p.Pro9Arg)

Gene: SALL1 (spalt like transcription factor 1; minus strand). Cytogenetic location: 16q12.1.
Variant type: single nucleotide variant.
Coding change: c.26C>G on transcript NM_002968.3 (MANE Select); coding-DNA position 26, C replaced by G.
Protein change: p.Pro9Arg; replaces proline 9 with arginine.
Molecular consequence: missense variant.
Genome position (GRCh38, 1-based): chr16:51,151,216, G>C on the plus strand (C>G on the coding strand, the complement: SALL1 is on the minus strand). VCF-style: chr16-51151216-G-C. GRCh37 (hg19) VCF-style: chr16-51185127-G-C.
Other names: short protein forms P9R.
Identifiers: ClinVar variation 2499916 (VCV002499916.1), dbSNP rs753233349, ClinGen allele CA395879458.